The following is an entry in ClinVar:

ClinVar aggregate classification (germline): Conflicting classifications of pathogenicity. Review status: criteria provided, conflicting classifications (1 of 4 stars). 3 submissions from 3 submitters: Likely pathogenic (1); Uncertain significance (1). 1 of the submissions does not count toward it. Last evaluated 2022-08-31.

Conditions:
Hereditary cancer-predisposing syndrome. Also called: Tumor predisposition; Hereditary Cancer Syndrome; Hereditary neoplastic syndrome; Neoplastic Syndromes, Hereditary. Identifiers: Orphanet 140162, MedGen C0027672, MeSH D009386, MONDO:0015356.

Allele frequency attached by ClinVar (database versions not stated): TOPMed below 0.00001; ExAC 0.00001; gnomAD exomes 0.00001.
gnomAD v4.1: 16 of 1,611,718 alleles (0.00099%); highest among the groups gnomAD compares: Admixed American, 0.0033%; no homozygotes.

Submissions (3):

Ambry Genetics
Classification: Likely pathogenic for Hereditary cancer-predisposing syndrome. Last evaluated: 2022-08-31. Review status: criteria provided, single submitter. Criteria: Ambry Variant Classification Scheme 2023. Collection method: clinical testing. Allele origin: germline.
Comment: The p.R17* variant (also known as c.49C>T), located in coding exon 2 of the XRCC2 gene, results from a C to T substitution at nucleotide position 49. This changes the amino acid from an arginine to a stop codon within coding exon 2. The predicted stop codon occurs in the 5&rsquo; end of theXRCC2 gene. Premature termination codons in the 5&rsquo; end of a gene have been reported to escape nonsense-mediated mRNAdecay and/or lead to re-initiation (Rivas et al. Science. 2015 May 8;348(6235):666-9; Lindeboom et al. Nat Genet. 2016 Oct;48(10):1112-8; Rhee et al. Sci Rep. 2017 May 10;7(1):1653). Direct evidence for this alteration is unavailable, however premature termination codons are typically deleterious in nature. This alteration has been identified in individuals with familial breast cancer (Park DJ et al. Am. J. Hum. Genet., 2012 Apr;90:734-9; Sun J et al. Clin. Cancer Res. 2017 Oct;23(20):6113-6119). In a functional study, this alteration was used as a negative control, however, it had unexpectedly high rescue activity in both Rad51C foci formation and homologous repair activity compared to other, longer, truncating mutations. This study ruled out the possibility of a translational start site after amino acid 17 but did identify some read-through of translation at this new TGA stop codon that could explain the higher level of function in these in vitro assays (Hilbers FS et al. Hum. Mutat., 2016 Sep;37:914-25). Based on the majority of available evidence to date, this variant is likely to be pathogenic.

Labcorp Genetics (formerly Invitae), Labcorp
Classification: Uncertain significance. Last evaluated: 2019-12-11. Review status: criteria provided, single submitter. Criteria: Invitae Variant Classification Sherloc (09022015). Collection method: clinical testing. Allele origin: germline.
Comment: In summary, the available evidence is currently insufficient to determine the role of this variant in disease. Therefore, it has been classified as a Variant of Uncertain Significance. The current clinical and genetic evidence is not sufficient to establish whether loss-of-function variants in XRCC2 cause disease. This variant has been reported to have conflicting or insufficient data to determine the effect on XRCC2 protein function (PMID: 27233470). This variant has been observed in individuals with breast cancer (PMID: 22464251, 28724667). ClinVar contains an entry for this variant (Variation ID: 486731). This variant is present in population databases (rs750903875, ExAC 0.006%). This sequence change creates a premature translational stop signal (p.Arg17*) in the XRCC2 gene. It is expected to result in an absent or disrupted protein product.

Leiden Open Variation Database
Classification: Uncertain significance. Last evaluated: 2012-05-02. Review status: no assertion criteria provided. Collection method: curation. Allele origin: germline. Affected: yes. Not counted in ClinVar's aggregate classification.
Comment: Curator: Arleen D. Auerbach. Submitter to LOVD: Johan den Dunnen.

Literature cited by the submitters: PubMed 22464251 (cited by 3 submitters); PubMed 27233470 (cited by Ambry Genetics and Labcorp Genetics (formerly Invitae), Labcorp); PubMed 28724667 (cited by Labcorp Genetics (formerly Invitae), Labcorp).

NM_005431.2(XRCC2):c.49C>T (p.Arg17Ter)

Gene: XRCC2 (X-ray repair cross complementing 2; minus strand). Cytogenetic location: 7q36.1.
Variant type: single nucleotide variant.
Coding change: c.49C>T on transcript NM_005431.2 (MANE Select); coding-DNA position 49, C replaced by T.
Protein change: p.Arg17Ter; replaces arginine 17 with a stop codon.
Molecular consequence: nonsense.
Genome position (GRCh38, 1-based): chr7:152,660,773, G>A on the plus strand (C>T on the coding strand, the complement: XRCC2 is on the minus strand). VCF-style: chr7-152660773-G-A. GRCh37 (hg19) VCF-style: chr7-152357858-G-A.
Other names: short protein forms R17*.
Identifiers: ClinVar variation 486731 (VCV000486731.16), dbSNP rs750903875, ClinGen allele CA4582413.